The following is an entry in ClinVar:

NM_001270508.2(TNFAIP3):c.2183G>A (p.Arg728His)

Gene: TNFAIP3 (TNF alpha induced protein 3; plus strand). Cytogenetic location: 6q23.3.
Variant type: single nucleotide variant.
Coding change: c.2183G>A on transcript NM_001270508.2 (MANE Select); coding-DNA position 2183, G replaced by A.
Protein change: p.Arg728His; replaces arginine 728 with histidine.
Molecular consequence: missense variant.
Genome position (GRCh38, 1-based): chr6:137,881,129, G>A. VCF-style: chr6-137881129-G-A. GRCh37 (hg19) VCF-style: chr6-138202266-G-A.
Other names: c.2183G>A, p.Arg728His (NM_001270507.2, NM_006290.4); short protein forms R728H.
Identifiers: ClinVar variation 2183264 (VCV002183264.5), dbSNP rs776383838, ClinGen allele CA4019815.
Genomic context (GRCh38, chr6:137,881,129, plus strand): 5'-CACAAAGCACCTCAAGGCCCAAGTGCGCCCGGGCCTCCTGCAAGAACATCCTGGCCTGCC[G>A]CAGCGAGGAGCTCTGCATGGAGTGTCAGCATCCCAACCAGAGGATGGGCCCTGGGGCCCA-3'
Protein context (NP_001257437.1, residues 718-738): RASCKNILAC[Arg728His]SEELCMECQH

ClinVar aggregate classification (germline): Conflicting classifications of pathogenicity. Review status: criteria provided, conflicting classifications (1 of 4 stars). 2 submissions from 2 submitters: Uncertain significance (1); Likely benign (1). Last evaluated 2024-11-04.

Allele frequency attached by ClinVar (database versions not stated): TOPMed 0.00001; gnomAD 0.00002; ExAC 0.00003; gnomAD exomes 0.00004.
gnomAD v4.1: 68 of 1,613,808 alleles (0.0042%); highest among the groups gnomAD compares: Middle Eastern, 0.016%; no homozygotes.

Submissions (2):

Labcorp Genetics (formerly Invitae), Labcorp
Classification: Uncertain significance. Last evaluated: 2024-11-04. Review status: criteria provided, single submitter. Criteria: Invitae Variant Classification Sherloc (09022015). Collection method: clinical testing. Allele origin: germline.
Comment: This sequence change replaces arginine, which is basic and polar, with histidine, which is basic and polar, at codon 728 of the TNFAIP3 protein (p.Arg728His). This variant is present in population databases (rs776383838, gnomAD 0.004%). This variant has not been reported in the literature in individuals affected with TNFAIP3-related conditions. ClinVar contains an entry for this variant (Variation ID: 2183264). An algorithm developed to predict the effect of missense changes on protein structure and function (PolyPhen-2) suggests that this variant is likely to be disruptive. In summary, the available evidence is currently insufficient to determine the role of this variant in disease. Therefore, it has been classified as a Variant of Uncertain Significance.

Blueprint Genetics
Classification: Likely benign. Last evaluated: 2022-02-01. Review status: criteria provided, single submitter. Criteria: ACMG Guidelines, 2015. Collection method: clinical testing. Allele origin: germline.